The following is an entry in ClinVar:

ClinVar aggregate classification (germline): Pathogenic (1 of 4 stars; one submission).

Conditions:
Hereditary cancer-predisposing syndrome. Also called: Neoplastic Syndromes, Hereditary; Hereditary Cancer Syndrome; Hereditary neoplastic syndrome; Tumor predisposition. Identifiers: Orphanet 140162, MedGen C0027672, MeSH D009386, MONDO:0015356.

Submission:

Ambry Genetics
Classification: Pathogenic for Hereditary cancer-predisposing syndrome. Last evaluated: 2023-05-04. Review status: criteria provided, single submitter. Criteria: Ambry Variant Classification Scheme 2023. Collection method: clinical testing. Allele origin: germline.
Comment: The c.1860delT pathogenic mutation, located in coding exon 9 of the BRCA2 gene, results from a deletion of one nucleotide at nucleotide position 1860, causing a translational frameshift with a predicted alternate stop codon (p.F620Lfs*24). This alteration was identified amongst a cohort of 774 women with triple-negative breast cancer (Wong-Brown MW et al. Breast Cancer Res Treat, 2015 Feb;150:71-80). This variant is considered to be rare based on population cohorts in the Genome Aggregation Database (gnomAD). In addition to the clinical data presented in the literature, this alteration is expected to result in loss of function by premature protein truncation or nonsense-mediated mRNA decay. As such, this alteration is interpreted as a disease-causing mutation.

Literature cited by the submitters: PubMed 25682074.

NM_000059.4(BRCA2):c.1860del (p.Phe620fs)

Gene: BRCA2 (BRCA2 DNA repair associated; plus strand). Cytogenetic location: 13q13.1.
Variant type: Deletion.
Coding change: c.1860del on transcript NM_000059.4 (MANE Select); coding-DNA position 1860, one base deleted (T; older notation c.1860delT).
Protein change: p.Phe620fs; shifts the reading frame from phenylalanine 620.
Molecular consequence: frameshift variant.
Genome position (GRCh38, 1-based): chr13:32,333,338, T deleted; the last of 3 consecutive T bases (chr13:32,333,336-32,333,338); deleting any one gives the same sequence. VCF-style (leftmost placement, unchanged base first): chr13-32333335-GT-G. GRCh37 (hg19) VCF-style: chr13-32907472-GT-G.
Other names: c.1860delT (NM_000059.3); short protein forms F620fs.
Identifiers: ClinVar variation 2565996 (VCV002565996.2), dbSNP rs2548521201, ClinGen allele CA658761147.